The following is an entry in ClinVar:

NM_000059.4(BRCA2):c.476-10T>A

Gene: BRCA2 (BRCA2 DNA repair associated; plus strand). Cytogenetic location: 13q13.1.
Variant type: single nucleotide variant.
Coding change: c.476-10T>A on transcript NM_000059.4 (MANE Select); 10 bases into the intron before coding-DNA position 476, T replaced by A.
Molecular consequence: intron variant.
Genome position (GRCh38, 1-based): chr13:32,326,232, T>A. VCF-style: chr13-32326232-T-A. GRCh37 (hg19) VCF-style: chr13-32900369-T-A.
Identifiers: ClinVar variation 653081 (VCV000653081.15), dbSNP rs1593886998, ClinGen allele CA915946938.

ClinVar aggregate classification (germline): Conflicting classifications of pathogenicity. Review status: criteria provided, conflicting classifications (1 of 4 stars). 4 submissions from 4 submitters: Uncertain significance (1); Likely benign (3). Last evaluated 2025-07-13.

Conditions:
Hereditary cancer-predisposing syndrome. Also called: Hereditary Cancer Syndrome; Hereditary neoplastic syndrome; Tumor predisposition; Neoplastic Syndromes, Hereditary. Identifiers: Orphanet 140162, MedGen C0027672, MeSH D009386, MONDO:0015356.
Familial prostate cancer. Also called: Hereditary Prostate Cancer. Identifiers: MedGen C2931456, MONDO:0700275, OMIM 176807.
Hereditary breast ovarian cancer syndrome. Also called: Hereditary breast and/or ovarian cancer syndrome; BRCA1- and BRCA2-Associated Hereditary Breast and Ovarian Cancer; Hereditary breast and ovarian cancer syndrome; Hereditary breast and ovarian cancer; Hereditary breast and ovarian cancer syndrome (HBOC); Breast and ovarian cancer. Identifiers: Orphanet 145, MedGen C0677776, MeSH D061325, MONDO:0003582. Disease mechanism: loss of function.
BRCA2-related cancer predisposition. Identifiers: MedGen CN377758, MONDO:0700269.

Submissions (4):

Labcorp Genetics (formerly Invitae), Labcorp
Classification: Likely benign for Hereditary breast ovarian cancer syndrome. Last evaluated: 2025-07-13. Review status: criteria provided, single submitter. Criteria: Invitae Variant Classification Sherloc (09022015). Collection method: clinical testing. Allele origin: germline.

All of Us Research Program, National Institutes of Health
Classification: Likely benign for BRCA2-related cancer predisposition. Last evaluated: 2024-07-10. Review status: criteria provided, single submitter. Criteria: ACMG Guidelines, 2015. Collection method: clinical testing. Allele origin: germline. Inheritance: Autosomal dominant inheritance. Observed: 1 variant allele, 1 heterozygote.
Comment: This study involves interpretation of variants in research participants for the purpose of population health screening. Participant phenotype was not available at the time of variant classification. Additional details can be found in publication PMID: 35346344, PMCID: PMC8962531

Color Diagnostics, LLC DBA Color Health
Classification: Likely benign for Hereditary cancer-predisposing syndrome. Last evaluated: 2024-06-26. Review status: criteria provided, single submitter. Criteria: ACMG Guidelines, 2015. Collection method: clinical testing. Allele origin: germline.

Department of Pathology and Laboratory Medicine, Sinai Health System
Classification: Uncertain significance for Familial prostate cancer. Last evaluated: 2024-01-08. Review status: criteria provided, single submitter. Criteria: ACMG Guidelines, 2015. Collection method: clinical testing. Allele origin: germline. Affected: yes.